The following is an entry in ClinVar:

NM_000368.5(TSC1):c.866C>T (p.Ser289Leu)

Gene: TSC1 (TSC complex subunit 1; minus strand). Cytogenetic location: 9q34.13.
Variant type: single nucleotide variant.
Coding change: c.866C>T on transcript NM_000368.5 (MANE Select); coding-DNA position 866, C replaced by T.
Protein change: p.Ser289Leu; replaces serine 289 with leucine.
Molecular consequence: missense variant. On other transcripts: 5 prime UTR variant (5), non-coding transcript variant (5).
Genome position (GRCh38, 1-based): chr9:132,912,329, G>A on the plus strand (C>T on the coding strand, the complement: TSC1 is on the minus strand). VCF-style: chr9-132912329-G-A. GRCh37 (hg19) VCF-style: chr9-135787716-G-A.
Other names: c.866C>T, p.Ser289Leu (NM_001406603.1, NM_001406604.1, NM_001406605.1 and 16 more transcripts); c.713C>T, p.Ser238Leu (NM_001406610.1, NM_001406611.1, NM_001162427.2 and 2 more transcripts); c.503C>T, p.Ser168Leu (NM_001406622.1, NM_001406623.1, NM_001406624.1 and 10 more transcripts); c.-86C>T (NM_001406626.1, NM_001406627.1, NM_001406628.1); c.-228C>T (NM_001406629.1, NM_001406630.1); short protein forms S168L, S238L, S289L.
Identifiers: ClinVar variation 3619866 (VCV003619866.6).

ClinVar aggregate classification (germline): Uncertain significance. Review status: criteria provided, multiple submitters, no conflicts (2 of 4 stars). 3 submissions from 3 submitters: Uncertain significance (3). Last evaluated 2026-03-01.

Conditions:
Hereditary cancer-predisposing syndrome. Also called: Neoplastic Syndromes, Hereditary; Tumor predisposition; Hereditary Cancer Syndrome; Hereditary neoplastic syndrome. Identifiers: Orphanet 140162, MedGen C0027672, MeSH D009386, MONDO:0015356.
Tuberous sclerosis 1 (TSC1). Identifiers: Orphanet 805, MedGen C1854465, MONDO:0008612, OMIM 191100.

Submissions (3):

CeGaT Center for Human Genetics Tuebingen
Classification: Uncertain significance. Last evaluated: 2026-03-01. Review status: criteria provided, single submitter. Criteria: CeGaT Center For Human Genetics Tuebingen Variant Classification Criteria Version 2. Collection method: clinical testing. Allele origin: germline. Affected: yes. Observed: 1 variant allele.
Comment: TSC1: PM2, PP2

Ambry Genetics
Classification: Uncertain significance for Hereditary cancer-predisposing syndrome. Last evaluated: 2026-02-25. Review status: criteria provided, single submitter. Criteria: Ambry Variant Classification Scheme 2023. Collection method: clinical testing. Allele origin: germline.
Comment: The p.S289L variant (also known as c.866C>T), located in coding exon 7 of the TSC1 gene, results from a C to T substitution at nucleotide position 866. The serine at codon 289 is replaced by leucine, an amino acid with dissimilar properties. This amino acid position is not well conserved in available vertebrate species. In addition, the in silico prediction for this alteration is inconclusive. Based on the available evidence, the clinical significance of this variant remains unclear.

Labcorp Genetics (formerly Invitae), Labcorp
Classification: Uncertain significance for Tuberous sclerosis 1. Last evaluated: 2024-10-28. Review status: criteria provided, single submitter. Criteria: Invitae Variant Classification Sherloc (09022015). Collection method: clinical testing. Allele origin: germline.
Comment: This sequence change replaces serine, which is neutral and polar, with leucine, which is neutral and non-polar, at codon 289 of the TSC1 protein (p.Ser289Leu). This variant is not present in population databases (gnomAD no frequency). This variant has not been reported in the literature in individuals affected with TSC1-related conditions. Invitae Evidence Modeling of protein sequence and biophysical properties (such as structural, functional, and spatial information, amino acid conservation, physicochemical variation, residue mobility, and thermodynamic stability) indicates that this missense variant is not expected to disrupt TSC1 protein function with a negative predictive value of 95%. In summary, the available evidence is currently insufficient to determine the role of this variant in disease. Therefore, it has been classified as a Variant of Uncertain Significance.